The following is an entry in ClinVar:

NM_007294.4(BRCA1):c.165_166dup (p.Lys56fs)

Gene: BRCA1 (BRCA1 DNA repair associated; minus strand). Cytogenetic location: 17q21.31.
Variant type: Duplication.
Coding change: c.165_166dup on transcript NM_007294.4 (MANE Select); coding-DNA positions 165 to 166, 2 bases duplicated (GA; older notation c.165_166dupGA).
Protein change: p.Lys56fs; shifts the reading frame from lysine 56.
Molecular consequence: frameshift variant. On other transcripts: non-coding transcript variant (1).
Genome position (GRCh38, 1-based): chr17:43,106,502-43,106,503, TC duplicated on the plus strand (GA on the coding strand, the reverse complement: BRCA1 is on the minus strand); duplicating any 2 consecutive bases within chr17:43,106,502-43,106,504 gives the same sequence; the c. name uses the placement nearest the transcript's 3' end. VCF-style (leftmost placement, unchanged base first): chr17-43106501-T-TTC. GRCh37 (hg19) VCF-style: chr17-41258518-T-TTC.
Other names: 285insGA; c.165_166dupGA (NM_007294.3); c.23_24dup, p.Lys9Argfs (NM_001407692.1, NM_001407694.1, NM_001407695.1 and 98 more transcripts); c.-25_-24dup (NM_001407853.1, NM_001407879.1, NM_001407881.1 and 58 more transcripts); c.164_165dup, p.Lys56Argfs (NM_001407854.1, NM_001407858.1, NM_001407859.1 and 166 more transcripts); c.24_25dup, p.Lys9fs (NM_007297.4); c.165_166dup, p.Lys56fs (NM_007299.4, NM_007300.4); short protein forms K56fs, K9fs.
Identifiers: ClinVar variation 254369 (VCV000254369.4), dbSNP rs80357550, ClinGen allele CA001097.

ClinVar aggregate classification (germline): Pathogenic. Review status: reviewed by expert panel (3 of 4 stars). 3 submissions from 3 submitters: Pathogenic (1). 2 of the submissions do not count toward it. Last evaluated 2016-09-08.

Conditions:
Inherited breast cancer and ovarian cancer.
Breast-ovarian cancer, familial, susceptibility to, 1 (BROVCA1). Also called: BRCA1 Hereditary Breast and Ovarian Cancer; OVARIAN CANCER, SUSCEPTIBILITY TO. Identifiers: Orphanet 145, MedGen C2676676, MONDO:0011450, OMIM 604370. Disease mechanism: loss of function.

Submissions (3):

Evidence-based Network for the Interpretation of Germline Mutant Alleles (ENIGMA)
Classification: Pathogenic for Breast-ovarian cancer, familial, susceptibility to, 1. Last evaluated: 2016-09-08. Review status: reviewed by expert panel. Criteria: ENIGMA BRCA1/2 Classification Criteria (2015). Collection method: curation. Allele origin: germline.
Comment: Variant allele predicted to encode a truncated non-functional protein.

Genetics Laboratory, Great Ormond Street Hospital NHS Foundation Trust, North Thames Genomic Laboratory Hub
Classification: Pathogenic for Inherited breast cancer and ovarian cancer. Last evaluated: 2026-06-25. Review status: criteria provided, single submitter. Criteria: CanVIG BRCA Gene Specific V1.22. Collection method: clinical testing. Allele origin: germline. Affected: yes. Not counted in ClinVar's aggregate classification.
Comment: PM2_moderate, PVS1_very-strong, PM5_strong

Breast Cancer Information Core (BIC) (BRCA1)
Classification: Pathogenic for Breast-ovarian cancer, familial 1. Last evaluated: 2004-11-25. Review status: no assertion criteria provided. Collection method: clinical testing. Allele origin: germline. Affected: yes. Observed: 1 variant allele. Not counted in ClinVar's aggregate classification.